The following is an entry in ClinVar:

NM_000540.3(RYR1):c.11070G>A (p.Val3690=)

Gene: RYR1 (ryanodine receptor 1; plus strand). Cytogenetic location: 19q13.2.
Variant type: single nucleotide variant.
Coding change: c.11070G>A on transcript NM_000540.3 (MANE Select); coding-DNA position 11070, G replaced by A.
Protein change: p.Val3690=; no amino-acid change (valine 3690 retained).
Molecular consequence: synonymous variant.
Genome position (GRCh38, 1-based): chr19:38,528,986, G>A. VCF-style: chr19-38528986-G-A. GRCh37 (hg19) VCF-style: chr19-39019626-G-A.
Other names: c.11055G>A, p.Val3685= (NM_001042723.2).
Identifiers: ClinVar variation 544458 (VCV000544458.12), dbSNP rs753071672, ClinGen allele CA9415924.

ClinVar aggregate classification (germline): Likely benign. Review status: criteria provided, multiple submitters, no conflicts (2 of 4 stars). 3 submissions from 3 submitters: Likely benign (3). Last evaluated 2025-12-14.

Conditions:
RYR1-related disorder. Also called: RYR1-related condition; RYR1-related disorders. Identifiers: MedGen CN239331.
Malignant hyperthermia, susceptibility to, 1 (MHS1). Also called: RYR1-Related Malignant Hyperthermia Susceptibility; Anesthesia related hyperthermia; Malignant hyperpyrexia; Fulminating hyperpyrexia; Pharmacogenic myopathy; Malignant hyperthermia suceptibility 1. Identifiers: Orphanet 423, MedGen C2930980, MONDO:0007783, OMIM 145600.

Allele frequency attached by ClinVar (database versions not stated): ExAC 0.00003; gnomAD 0.00006 and 0.00007; gnomAD exomes 0.00002 and 0.00007; TOPMed 0.00006.
gnomAD v4.1: 114 of 1,612,858 alleles (0.0071%); highest among the groups gnomAD compares: Non-Finnish European, 0.0091%; no homozygotes.

Submissions (3):

Labcorp Genetics (formerly Invitae), Labcorp
Classification: Likely benign for RYR1-related disorder. Last evaluated: 2025-12-14. Review status: criteria provided, single submitter. Criteria: Invitae Variant Classification Sherloc (09022015). Collection method: clinical testing. Allele origin: germline.

All of Us Research Program, National Institutes of Health
Classification: Likely benign for Malignant hyperthermia, susceptibility to, 1. Last evaluated: 2024-02-05. Review status: criteria provided, single submitter. Criteria: ACMG Guidelines, 2015. Collection method: clinical testing. Allele origin: germline. Inheritance: Autosomal dominant inheritance. Observed: 16 variant alleles, 16 heterozygotes.
Comment: This study involves interpretation of variants in research participants for the purpose of population health screening. Participant phenotype was not available at the time of variant classification. Additional details can be found in publication PMID: 35346344, PMCID: PMC8962531

Color Diagnostics, LLC DBA Color Health
Classification: Likely benign for Malignant hyperthermia, susceptibility to, 1. Last evaluated: 2022-04-29. Review status: criteria provided, single submitter. Criteria: ACMG Guidelines, 2015. Collection method: clinical testing. Allele origin: germline.